The following is an entry in ClinVar:

ClinVar aggregate classification (germline): Uncertain significance (1 of 4 stars; one submission).

Conditions:
Inborn genetic diseases. Identifiers: MedGen C0950123, MeSH D030342.

Submission:

Ambry Genetics
Classification: Uncertain significance for Inborn genetic diseases. Last evaluated: 2025-07-22. Review status: criteria provided, single submitter. Criteria: Ambry Variant Classification Scheme 2023. Collection method: clinical testing. Allele origin: germline.
Comment: The p.F146V variant (also known as c.436T>G), located in coding exon 1 of the SH2B3 gene, results from a T to G substitution at nucleotide position 436. The phenylalanine at codon 146 is replaced by valine, an amino acid with highly similar properties. This amino acid position is conserved. In addition, this alteration is predicted to be tolerated by in silico analysis. Based on the available evidence, the clinical significance of this variant remains unclear.

NM_005475.3(SH2B3):c.436T>G (p.Phe146Val)

Gene: SH2B3 (SH2B adaptor protein 3; plus strand). Cytogenetic location: 12q24.12.
Variant type: single nucleotide variant.
Coding change: c.436T>G on transcript NM_005475.3 (MANE Select); coding-DNA position 436, T replaced by G.
Protein change: p.Phe146Val; replaces phenylalanine 146 with valine.
Molecular consequence: missense variant.
Genome position (GRCh38, 1-based): chr12:111,418,581, T>G. VCF-style: chr12-111418581-T-G. GRCh37 (hg19) VCF-style: chr12-111856385-T-G.
Other names: short protein forms F146V.
Identifiers: ClinVar variation 4163956 (VCV004163956.1).